The following is an entry in ClinVar:

NM_000038.6(APC):c.1059dup (p.Pro354fs)

Gene: APC (APC regulator of Wnt signaling pathway; plus strand). Cytogenetic location: 5q22.2.
Variant type: Duplication.
Coding change: c.1059dup on transcript NM_000038.6 (MANE Select); coding-DNA position 1059, one base duplicated (T; older notation c.1059dupT).
Protein change: p.Pro354fs; shifts the reading frame from proline 354.
Molecular consequence: frameshift variant. On other transcripts: intron variant (4).
Genome position (GRCh38, 1-based): chr5:112,819,091, T duplicated; the last of 2 consecutive T bases (chr5:112,819,090-112,819,091); duplicating either gives the same sequence. VCF-style (leftmost placement, unchanged base first): chr5-112819089-C-CT. GRCh37 (hg19) VCF-style: chr5-112154786-C-CT.
Other names: c.1059dup, p.Pro354fs (NM_001127510.3, NM_001354895.2, NM_001354896.2); c.1005dup, p.Pro336fs (NM_001127511.3); c.1089dup, p.Pro364fs (NM_001354897.2); c.984dup, p.Pro329fs (NM_001354898.2); c.975dup, p.Pro326fs (NM_001354899.2); c.882dup, p.Pro295fs (NM_001354900.2, NM_001354901.2); c.210dup, p.Pro71fs (NM_001354906.2); c.964-178dup (NM_001354902.2); and 3 more; short protein forms P336fs, P354fs, P295fs, P364fs, P326fs, P329fs, P71fs.
Identifiers: ClinVar variation 652299 (VCV000652299.8), dbSNP rs1580528776, ClinGen allele CA915943473.

ClinVar aggregate classification (germline): Pathogenic (1 of 4 stars; one submission).

Conditions:
Familial adenomatous polyposis 1 (FAP1). Also called: POLYPOSIS, ADENOMATOUS INTESTINAL; FAMILIAL ADENOMATOUS POLYPOSIS 1, ATTENUATED. Identifiers: MedGen C2713442, MONDO:0021056, OMIM 175100. Disease mechanism: loss of function.

Submission:

Labcorp Genetics (formerly Invitae), Labcorp
Classification: Pathogenic for Familial adenomatous polyposis 1. Last evaluated: 2018-10-03. Review status: criteria provided, single submitter. Criteria: Invitae Variant Classification Sherloc (09022015). Collection method: clinical testing. Allele origin: germline.
Comment: This variant is not present in population databases (ExAC no frequency). This sequence change creates a premature translational stop signal (p.Pro354Serfs*11) in the APC gene. It is expected to result in an absent or disrupted protein product. This variant has not been reported in the literature in individuals with APC-related disease. Loss-of-function variants in APC are known to be pathogenic (PMID: 17963004, 20685668). For these reasons, this variant has been classified as Pathogenic.

Literature cited by the submitters: PubMed 17963004; PubMed 20685668.